The following continues an entry in ClinVar:

NM_000492.4(CFTR):c.3909C>G (p.Asn1303Lys)

Gene: CFTR. ClinVar aggregate classification (germline): Pathogenic. Pathogenic (1).

Submissions 27 to 48 of 53:

Genome Diagnostics Laboratory, The Hospital for Sick Children
Classification: Pathogenic for Cystic fibrosis. Last evaluated: 2019-09-25. Review status: criteria provided, single submitter. Criteria: ACMG Guidelines, 2015. Collection method: clinical testing. Allele origin: germline. Not counted in ClinVar's aggregate classification.

Clinical Genetics and Genomics, Karolinska University Hospital
Classification: Pathogenic. Last evaluated: 2019-05-10. Review status: criteria provided, single submitter. Criteria: ACMG Guidelines, 2015. Collection method: clinical testing. Allele origin: germline. Affected: yes. Observed: 1 variant allele. Not counted in ClinVar's aggregate classification.

GeneDx
Classification: Pathogenic. Last evaluated: 2018-12-31. Review status: criteria provided, single submitter. Criteria: GeneDx Variant Classification (06012015). Collection method: clinical testing. Allele origin: germline. Affected: yes. Not counted in ClinVar's aggregate classification.
Comment: The N1303K variant in the CFTR gene has been reported previously as a CF-causing variant in patients with abnormal sweat chloride levels, pancreatic insufficiency, and mild to moderate lung disease (Sosnay et al., 2013; Osborne et al, 1991). The N1303K variant was not observed at any significant frequency in approximately 6500 individuals of European and African American ancestry in the NHLBI Exome Sequencing Project, indicating it is not a common benign variant in these populations. The N1303K variant is a semi-conservative amino acid substitution, which may impact secondary protein structure as these residues differ in some properties. This substitution occurs at a position within the ABC transporter 2 domain that is conserved across species. Cell lines expressing the N1303K CFTR variant show loss of baseline chloride transport compared to those expressing wild type protein (Van Goor et al., 2014). A missense variant at the same residue, N1303H, was reported in a patient with severe pulmonary disease and pancreatic insufficiency (Claustres et al., 1992). We interpret N1303K as a pathogenic variant.

Equipe Genetique des Anomalies du Developpement, Université de Bourgogne
Classification: Pathogenic for Cystic fibrosis. Last evaluated: 2018-11-21. Review status: criteria provided, single submitter. Criteria: ACMG Guidelines, 2015. Collection method: clinical testing. Allele origin: unknown. Not counted in ClinVar's aggregate classification.

Mendelics
Classification: Pathogenic for Cystic fibrosis. Last evaluated: 2018-11-05. Review status: criteria provided, single submitter. Criteria: Mendelics Assertion Criteria 2017. Collection method: clinical testing. Allele origin: unknown. Affected: yes. Not counted in ClinVar's aggregate classification.

Undiagnosed Diseases Network, NIH
Classification: Pathogenic for Cystic fibrosis. Last evaluated: 2018-10-10. Review status: criteria provided, single submitter. Criteria: ACMG Guidelines, 2015. Collection method: clinical testing. Allele origin: inherited. Inheritance: Autosomal recessive inheritance. Affected: yes. Observed: 1 variant allele, 1 homozygote. Not counted in ClinVar's aggregate classification.

Centre of Medical Genetics, University Hospital Muenster
Classification: Pathogenic for Spermatogenic failure, Y-linked, 2. Last evaluated: 2018-06-07. Review status: criteria provided, single submitter. Criteria: ACMG Guidelines, 2015. Collection method: clinical testing. Allele origin: unknown. Affected: yes. Observed: 1 variant allele, 1 heterozygote. Not counted in ClinVar's aggregate classification.
Comment: ACMG categories: PS3,PS4,PP3,PP5

Eurofins Ntd Llc (ga)
Classification: Pathogenic. Last evaluated: 2018-05-15. Review status: criteria provided, single submitter. Criteria: EGL ClinVar v180209 classification definitions. Collection method: clinical testing. Allele origin: germline. Observed: 10 variant alleles, 10 heterozygotes. Not counted in ClinVar's aggregate classification.

CFTR-France
Classification: Pathogenic for cystic fibrosis. Last evaluated: 2018-01-29. Review status: criteria provided, single submitter. Criteria: Claustres M et al. (Hum Mutat 2017). Collection method: curation. Allele origin: germline. Affected: yes. Not counted in ClinVar's aggregate classification.

Illumina Laboratory Services, Illumina
Classification: Pathogenic for CFTR-Related Disorders. Last evaluated: 2017-09-05. Review status: criteria provided, single submitter. Criteria: ICSL Variant Classification Criteria 09 May 2019. Collection method: clinical testing. Allele origin: germline. Not counted in ClinVar's aggregate classification.
Comment: The CFTR c.3909C>G (p.Asn1303Lys) missense variant is a well-known, widely reported pathogenic variant that accounts for approximately 1.3% of disease alleles, and is often associated with a classic cystic fibrosis (CF) phenotype (Ong et al. 2001). The Cystic Fibrosis Mutation Database indicates that the p.Asn1303Lys variant is the fourth most common CFTR variant worldwide, and the Clinical and Functional Translation of CFTR (CFTR2) database reports the p.Asn1303Lys variant in over 2100 patients, noting that it is a cystic fibrosis-causing variant. Across a selection of the available literature, the p.Asn1303Lys variant has also been reported in five patients with congenital bilateral absence of the vas deferens (CBAVD), including three compound heterozygotes and two heterozygotes in whom a second variant was not identified (Steiner et al. 2011; Tomaiuolo et al. 2011), and in four patients with chronic pancreatitis, including three compound heterozygotes and one heterozygote (Steiner et al. 2011; Hamoir et al. 2013). The p.Asn1303Lys variant is reported at a frequency of 0.00035 in the European American population of the Exome Sequencing Project. Based on the collective evidence, the p.Asn1303Lys variant is classified as pathogenic for CFTR-related disorders. This variant was observed by ICSL as part of a predisposition screen in an ostensibly healthy population.

Baylor Genetics
Classification: Pathogenic for Cystic fibrosis. Last evaluated: 2017-09-01. Review status: criteria provided, single submitter. Criteria: ACMG Guidelines, 2015. Collection method: clinical testing. Allele origin: germline. Inheritance: Autosomal recessive inheritance. Affected: yes. Not counted in ClinVar's aggregate classification.
Comment: Heterozygotes are expected to be asymptomatic carriers.

Center for Pediatric Genomic Medicine, Children's Mercy Hospital and Clinics
Classification: Pathogenic. Last evaluated: 2015-02-11. Review status: criteria provided, single submitter. Criteria: ACMG Guidelines, 2015. Collection method: clinical testing. Allele origin: germline. Not counted in ClinVar's aggregate classification.

Courtagen Diagnostics Laboratory, Courtagen Life Sciences
Classification: Pathogenic for Cystic fibrosis. Last evaluated: 2014-08-29. Review status: criteria provided, single submitter. Criteria: Courtagen Life Sciences Classifications. Collection method: clinical testing. Allele origin: germline. Not counted in ClinVar's aggregate classification.

Baylor Genetics
Classification: Pathogenic for Congenital bilateral aplasia of vas deferens from CFTR mutation; Cystic fibrosis. Review status: criteria provided, single submitter. Criteria: ACMG Guidelines, 2015. Collection method: clinical testing. Allele origin: germline. Not counted in ClinVar's aggregate classification.

Clinical Genetics Service, Universitary Hospital 12 de Octubre
Classification: Pathogenic for Cystic fibrosis. Review status: criteria provided, single submitter. Criteria: ACMG Guidelines, 2015. Collection method: clinical testing. Allele origin: maternal. Affected: yes. Not counted in ClinVar's aggregate classification.

Juno Genomics, Hangzhou Juno Genomics, Inc
Classification: Pathogenic for Cystic fibrosis. Review status: criteria provided, single submitter. Criteria: ACMG Guidelines, 2015. Collection method: clinical testing. Allele origin: germline. Affected: yes. Not counted in ClinVar's aggregate classification.
Comment: Absent from controls (or at extremely low frequency if recessive) in Genome Aggregation Database, Exome Sequencing Project, 1000 Genomes Project, or Exome Aggregation Consortium.;Well-established in vitro or in vivo functional studies supportive of a damaging effect on the gene or gene product.;For recessive disorders, detected in trans with a pathogenic variant.;Patient's phenotype or family history is highly specific for a disease with a single genetic etiology.;Novel missense change at an amino acid residue where a different missense change determined to be pathogenic has been seen before.

Kariminejad - Najmabadi Pathology & Genetics Center
Classification: Pathogenic for Cystic fibrosis. Review status: criteria provided, single submitter. Criteria: ACMG Guidelines, 2015. Collection method: clinical testing. Allele origin: germline. Affected: no. Not counted in ClinVar's aggregate classification.

PreventionGenetics, part of Exact Sciences
Classification: Pathogenic for CFTR-related condition. Last evaluated: 2024-06-21. Review status: no assertion criteria provided. Collection method: clinical testing. Allele origin: germline. Not counted in ClinVar's aggregate classification.
Comment: The CFTR c.3909C>G variant is predicted to result in the amino acid substitution p.Asn1303Lys. This variant has been reported to be causative for cystic fibrosis (Sosnay et al. 2013. PubMed ID: 23974870; Masson et al. 2013. PubMed ID: 23951356; Osborne et al. 1991. PubMed ID: 1998343; Watson et al. 2004. PubMed ID: 15371902). This variant is reported in 0.058% of alleles in individuals of Ashkenazi Jewish descent in gnomAD. This variant is interpreted as pathogenic.

Genome Diagnostics Laboratory, The Hospital for Sick Children
Classification: Pathogenic for CFTR-related disorders. Last evaluated: 2019-09-25. Review status: no assertion criteria provided. Collection method: clinical testing. Allele origin: germline. Not counted in ClinVar's aggregate classification.

Counsyl
Classification: Pathogenic for Cystic fibrosis. Last evaluated: 2016-02-03. Review status: no assertion criteria provided. Collection method: clinical testing. Allele origin: unknown. Not counted in ClinVar's aggregate classification.

OMIM
Classification: Pathogenic for CYSTIC FIBROSIS. Last evaluated: 1992-08-01. Review status: no assertion criteria provided. Collection method: literature only. Allele origin: germline. Not counted in ClinVar's aggregate classification.

Clinical Genetics DNA and cytogenetics Diagnostics Lab, Erasmus MC, Erasmus Medical Center
Classification: Pathogenic. Review status: no assertion criteria provided. Collection method: clinical testing. Allele origin: germline. Affected: yes. Study: VKGL Data-share Consensus. Not counted in ClinVar's aggregate classification.